The following is an entry in ClinVar:

ClinVar aggregate classification (germline): Benign. Review status: criteria provided, multiple submitters, no conflicts (2 of 4 stars). 5 submissions from 5 submitters: Benign (4). 1 of the submissions does not count toward it. Last evaluated 2026-02-01.

Conditions:
SBF1-related disorder. Also called: SBF1-related condition.

Allele frequency attached by ClinVar (database versions not stated): gnomAD exomes 0.00310 and 0.00770; gnomAD 0.03095 and 0.03333; TOPMed 0.03465; 1000 Genomes Project 30x 0.04247; ExAC 0.00958; ESP Exome Variant Server 0.03407; 1000 Genomes Project 0.03854.
gnomAD v4.1: 9,396 of 1,613,966 alleles (0.58%); highest among the groups gnomAD compares: African/African-American, 11%; 478 homozygotes.

Submissions (5):

Labcorp Genetics (formerly Invitae), Labcorp
Classification: Benign. Last evaluated: 2026-02-01. Review status: criteria provided, single submitter. Criteria: Invitae Variant Classification Sherloc (09022015). Collection method: clinical testing. Allele origin: germline.

Mayo Clinic Laboratories, Mayo Clinic
Classification: Benign. Last evaluated: 2019-12-09. Review status: criteria provided, single submitter. Criteria: ACMG Guidelines, 2015. Collection method: clinical testing. Allele origin: germline. Observed: 20 variant alleles.

GeneDx
Classification: Benign. Last evaluated: 2018-10-16. Review status: criteria provided, single submitter. Criteria: GeneDx Variant Classification Process June 2021. Collection method: clinical testing. Allele origin: germline. Affected: yes.

Breakthrough Genomics
Classification: Benign. Review status: criteria provided, single submitter. Criteria: ACMG Guidelines, 2015. Collection method: not provided. Allele origin: germline. Inheritance: Autosomal recessive inheritance. Affected: yes.

PreventionGenetics, part of Exact Sciences
Classification: Benign for SBF1-related condition. Last evaluated: 2019-03-04. Review status: no assertion criteria provided. Collection method: clinical testing. Allele origin: germline. Not counted in ClinVar's aggregate classification.
Comment: This variant is classified as benign based on ACMG/AMP sequence variant interpretation guidelines (Richards et al. 2015 PMID: 25741868, with internal and published modifications).

NM_002972.4(SBF1):c.2175C>T (p.Asp725=)

Gene: SBF1 (SET binding factor 1; minus strand). Cytogenetic location: 22q13.33.
Variant type: single nucleotide variant.
Coding change: c.2175C>T on transcript NM_002972.4 (MANE Select); coding-DNA position 2175, C replaced by T.
Protein change: p.Asp725=; no amino-acid change (aspartic acid 725 retained).
Molecular consequence: synonymous variant.
Genome position (GRCh38, 1-based): chr22:50,462,426, G>A on the plus strand (C>T on the coding strand, the complement: SBF1 is on the minus strand). VCF-style: chr22-50462426-G-A. GRCh37 (hg19) VCF-style: chr22-50900855-G-A.
Other names: p.Asp725=; c.2178C>T, p.Asp726= (NM_001365819.1).
Identifiers: ClinVar variation 769167 (VCV000769167.17), dbSNP rs73441480, ClinGen allele CA10317306.